The following is an entry in ClinVar:

ClinVar aggregate classification (germline): Uncertain significance (1 of 4 stars; one submission).

Submission:

Women's Health and Genetics/Laboratory Corporation of America, LabCorp
Classification: Uncertain significance. Last evaluated: 2024-11-19. Review status: criteria provided, single submitter. Criteria: LabCorp Variant Classification Summary - May 2015. Collection method: clinical testing. Allele origin: germline.
Comment: Variant summary: POU1F1 c.22T>C (p.Ser8Pro) results in a non-conservative amino acid change in the encoded protein sequence. Three of five in-silico tools predict a benign effect of the variant on protein function. The variant was absent in 251022 control chromosomes. The available data on variant occurrences in the general population are insufficient to allow any conclusion about variant significance. To our knowledge, no occurrence of c.22T>C in individuals affected with &phenotype& and no experimental evidence demonstrating its impact on protein function have been reported. No submitters have cited clinical-significance assessments for this variant to ClinVar. Based on the evidence outlined above, the variant was classified as uncertain significance.

NM_000306.4(POU1F1):c.22T>C (p.Ser8Pro)

Gene: POU1F1 (POU class 1 homeobox 1; minus strand). Cytogenetic location: 3p11.2.
Variant type: single nucleotide variant.
Coding change: c.22T>C on transcript NM_000306.4 (MANE Select); coding-DNA position 22, T replaced by C.
Protein change: p.Ser8Pro; replaces serine 8 with proline.
Molecular consequence: missense variant.
Genome position (GRCh38, 1-based): chr3:87,276,441, A>G on the plus strand (T>C on the coding strand, the complement: POU1F1 is on the minus strand). VCF-style: chr3-87276441-A-G. GRCh37 (hg19) VCF-style: chr3-87325591-A-G.
Other names: c.22T>C, p.Ser8Pro (NM_001122757.3); short protein forms S8P.
Identifiers: ClinVar variation 3630003 (VCV003630003.1).
Genomic context (GRCh38, chr3:87,276,441, plus strand): 5'-GCATTATCAGAGGCAGAGTTGCAGAGGCGTCAGAATTCAGAGGTATAAAGGTATCAGCCG[A>G]AGTAAAAGCTTGGCAACTCATTCCCACAAGAGAGTAGAAAAATAAGGAGAACCGCTGCTC-3'
Protein context (NP_000297.1, residues 1-18): MSCQAFT[Ser8Pro]ADTFIPLNSD